The following is an entry in ClinVar:

NM_001199107.2(TBC1D24):c.394C>T (p.Pro132Ser)

Gene: TBC1D24 (TBC1 domain family member 24; plus strand). Cytogenetic location: 16p13.3.
Variant type: single nucleotide variant.
Coding change: c.394C>T on transcript NM_001199107.2 (MANE Select); coding-DNA position 394, C replaced by T.
Protein change: p.Pro132Ser; replaces proline 132 with serine.
Molecular consequence: missense variant.
Genome position (GRCh38, 1-based): chr16:2,496,542, C>T. VCF-style: chr16-2496542-C-T. GRCh37 (hg19) VCF-style: chr16-2546543-C-T.
Other names: c.394C>T, p.Pro132Ser (NM_020705.3); short protein forms P132S.
Identifiers: ClinVar variation 844622 (VCV000844622.10), dbSNP rs1489466696, ClinGen allele CA394375809.

ClinVar aggregate classification (germline): Likely pathogenic (1 of 4 stars; one submission).

Conditions:
Developmental and epileptic encephalopathy, 1 (DEE1). Also called: INFANTILE SPASM SYNDROME, X-LINKED 1; X-linked infantile spasms; West's syndrome; Tonic spasms with clustering, arrest of psychomotor development and hypsarrhythmia on EEG; X-Linked Infantile Spasm Syndrome; OHTAHARA SYNDROME, X-LINKED. Identifiers: MedGen C3463992, MONDO:0010632, OMIM 308350. Disease mechanism: loss of function.
Autosomal dominant nonsyndromic hearing loss 65. Also called: TBC1D24-Related Autosomal Dominant Nonsyndromic Hearing Loss (DFNA); Deafness, autosomal dominant 65. Identifiers: Orphanet 90635, MedGen C3892048, MONDO:0014470, OMIM 616044.

Allele frequency attached by ClinVar (database versions not stated): gnomAD exomes below 0.00001.

Submission:

Labcorp Genetics (formerly Invitae), Labcorp
Classification: Likely pathogenic for Developmental and epileptic encephalopathy, 1; Autosomal dominant nonsyndromic hearing loss 65. Last evaluated: 2022-02-10. Review status: criteria provided, single submitter. Criteria: Invitae Variant Classification Sherloc (09022015). Collection method: clinical testing. Allele origin: germline.
Comment: This sequence change replaces proline, which is neutral and non-polar, with serine, which is neutral and polar, at codon 132 of the TBC1D24 protein (p.Pro132Ser). This variant is present in population databases (no rsID available, gnomAD 0.003%). In summary, the currently available evidence indicates that the variant is pathogenic, but additional data are needed to prove that conclusively. Therefore, this variant has been classified as Likely Pathogenic. Advanced modeling of protein sequence and biophysical properties (such as structural, functional, and spatial information, amino acid conservation, physicochemical variation, residue mobility, and thermodynamic stability) performed at Invitae indicates that this missense variant is expected to disrupt TBC1D24 protein function. ClinVar contains an entry for this variant (Variation ID: 844622). This missense change has been observed in individual(s) with clinical features of autosomal recessive TBC1D24-related conditions (Invitae). In at least one individual the data is consistent with being in trans (on the opposite chromosome) from a pathogenic variant.